The following is an entry in ClinVar:

ClinVar aggregate classification (germline): Likely benign (1 of 4 stars; one submission).

Conditions:
Developmental and epileptic encephalopathy, 46 (DEE46). Also called: GRIN2D-Related Developmental and Epileptic Encephalopathy; Epileptic encephalopathy, early infantile, 46. Identifiers: MedGen C4310687, MONDO:0014947, OMIM 617162.

gnomAD v4.1: 1 of 1,158,184 alleles (0.000086%); highest among the groups gnomAD compares: Non-Finnish European, 0.00011%; no homozygotes.

Submission:

Juno Genomics, Hangzhou Juno Genomics, Inc
Classification: Likely benign for Developmental and epileptic encephalopathy, 46. Review status: criteria provided, single submitter. Criteria: ACMG Guidelines, 2015. Collection method: clinical testing. Allele origin: germline.
Comment: Absent from controls (or at extremely low frequency if recessive) in Genome Aggregation Database.;Multiple lines of computational evidence suggest no impact on gene or gene product.

NM_000836.4(GRIN2D):c.2776G>A (p.Ala926Thr)

Gene: GRIN2D (glutamate ionotropic receptor NMDA type subunit 2D; plus strand). Cytogenetic location: 19q13.33.
Variant type: single nucleotide variant.
Coding change: c.2776G>A on transcript NM_000836.4 (MANE Select); coding-DNA position 2776, G replaced by A.
Protein change: p.Ala926Thr; replaces alanine 926 with threonine.
Molecular consequence: missense variant.
Genome position (GRCh38, 1-based): chr19:48,442,702, G>A. VCF-style: chr19-48442702-G-A. GRCh37 (hg19) VCF-style: chr19-48945959-G-A.
Other names: short protein forms A926T.
Identifiers: ClinVar variation 5019811 (VCV005019811.2).